The following is an entry in ClinVar:

ClinVar aggregate classification (germline): Benign (1 of 4 stars; one submission).

Allele frequency attached by ClinVar (database versions not stated): gnomAD exomes 0.00440; gnomAD 0.02919 and 0.03121; 1000 Genomes Project 0.03215; TOPMed 0.03223; 1000 Genomes Project 30x 0.03576.

Submission:

GeneDx
Classification: Benign. Last evaluated: 2018-06-16. Review status: criteria provided, single submitter. Criteria: GeneDx Variant Classification (06012015). Collection method: clinical testing. Allele origin: germline. Affected: yes.
Comment: This variant is considered likely benign or benign based on one or more of the following criteria: it is a conservative change, it occurs at a poorly conserved position in the protein, it is predicted to be benign by multiple in silico algorithms, and/or has population frequency not consistent with disease.

NM_014476.6(PDLIM3):c.331-826del

Gene: PDLIM3 (PDZ and LIM domain 3; minus strand). Cytogenetic location: 4q35.1.
Variant type: Deletion.
Coding change: c.331-826del on transcript NM_014476.6 (MANE Select); 826 bases into the intron before coding-DNA position 331, one base deleted (A; older notation c.331-826delA).
Molecular consequence: intron variant.
Genome position (GRCh38, 1-based): chr4:185,515,163, T deleted on the plus strand (A on the coding strand, the reverse complement: PDLIM3 is on the minus strand). VCF-style (leftmost placement, unchanged base first): chr4-185515162-CT-C. GRCh37 (hg19) VCF-style: chr4-186436316-CT-C.
Other names: c.94-826del (NM_001257963.2); c.331-826del (NM_001257962.2); c.331-273del (NM_001114107.5); c.331-826delA (NM_014476.5).
Identifiers: ClinVar variation 683684 (VCV000683684.1), dbSNP rs140104698, ClinGen allele CA112048402.